The following is an entry in ClinVar:

NM_002150.3(HPD):c.398T>C (p.Phe133Ser)

Genes: HPD (4-hydroxyphenylpyruvate dioxygenase; minus strand), TIALD (transcript inducer of AURKA lysosomal degradation; plus strand). Cytogenetic location: 12q24.31.
Variant type: single nucleotide variant.
Coding change: c.398T>C on transcript NM_002150.3 (MANE Select); coding-DNA position 398, T replaced by C.
Protein change: p.Phe133Ser; replaces phenylalanine 133 with serine.
Molecular consequence: missense variant.
Genome position (GRCh38, 1-based): chr12:121,854,719, A>G on the plus strand (T>C on the coding strand, the complement: HPD is on the minus strand). VCF-style: chr12-121854719-A-G. GRCh37 (hg19) VCF-style: chr12-122292625-A-G.
Other names: c.281T>C, p.Phe94Ser (NM_001171993.2); c.398T>C (NM_002150.2); short protein forms F133S, F94S.
Identifiers: ClinVar variation 2049011 (VCV002049011.6), dbSNP rs545913399, ClinGen allele CA6839680.
Genomic context (GRCh38, chr12:121,854,719, plus strand): 5'-TGGTGCCGACAGCAGGAGGGGTGGGGGCACCAAAGGGAACTCACCGTCTGCAGCACAGCA[A>G]ACTTCACCTTCCCAAACTTGTCTTGCTCTACCCAGGGCTCCCGCATGATTTTGGCGCCCC-3'
Protein context (NP_002141.2, residues 123-143): VEQDKFGKVK[Phe133Ser]AVLQTYGDTT

ClinVar aggregate classification (germline): Conflicting classifications of pathogenicity. Review status: criteria provided, conflicting classifications (1 of 4 stars). 3 submissions from 3 submitters: Uncertain significance (2); Benign (1). Last evaluated 2026-01-12.

Conditions:
HPD-related disorder. Also called: HPD-related condition.
Hawkinsinuria. Identifiers: Orphanet 2118, MedGen C2931042, MONDO:0007700, OMIM 140350, HP:0034457.
Tyrosinemia type III. Also called: Tyrosinemia type 3; 4-alpha hydroxyphenylpyruvic acid oxidase deficiency; 4-alpha hydroxyphenylpyruvate dioxygenase deficiency; 4-Hydroxyphenylpyruvate dioxygenase deficiency; 4-HYDROXYPHENYLPYRUVIC ACID OXIDASE DEFICIENCY. Identifiers: Orphanet 69723, MedGen C0268623, MONDO:0010162, OMIM 276710.

Allele frequency attached by ClinVar (database versions not stated): TOPMed 0.00003; gnomAD 0.00010; gnomAD exomes 0.00015; ExAC 0.00039; 1000 Genomes Project 0.00060; 1000 Genomes Project 30x 0.00062.
gnomAD v4.1: 234 of 1,613,774 alleles (0.015%); highest among the groups gnomAD compares: South Asian, 0.24%; 1 homozygote.

Submissions (3):

Labcorp Genetics (formerly Invitae), Labcorp
Classification: Benign for Tyrosinemia type III; Hawkinsinuria. Last evaluated: 2026-01-12. Review status: criteria provided, single submitter. Criteria: Invitae Variant Classification Sherloc (09022015). Collection method: clinical testing. Allele origin: germline.

PreventionGenetics, part of Exact Sciences
Classification: Uncertain significance for HPD-related condition. Last evaluated: 2025-06-03. Review status: criteria provided, single submitter. Criteria: ACMG Guidelines, 2015. Collection method: clinical testing. Allele origin: germline.
Comment: The HPD c.398T>C variant is predicted to result in the amino acid substitution p.Phe133Ser. This variant was reported along with a second HPD variant in an individual with epilepsy (Table S3, Ganapathy et al. 2019. PubMed ID: 31069529). However, this variant is reported in 0.28% of alleles in individuals of South Asian descent in gnomAD, which may be too common to be a primary cause of disease. Although we suspect that this variant may be benign, at this time, the clinical significance of this variant is uncertain due to the absence of conclusive functional and genetic evidence.

GeneDx
Classification: Uncertain significance. Last evaluated: 2025-04-28. Review status: criteria provided, single submitter. Criteria: GeneDx Variant Classification Process June 2021. Collection method: clinical testing. Allele origin: germline. Affected: yes.
Comment: In silico analysis supports that this missense variant has a deleterious effect on protein structure/function; Observed with a second variant in HPD in a patient with neonatal-onset epileptic encephalopathy; the phase of these variants and biochemical results were not reported (PMID: 31069529); This variant is associated with the following publications: (PMID: 31069529)